The following is an entry in ClinVar:

ClinVar aggregate classification (germline): Conflicting classifications of pathogenicity. Review status: criteria provided, conflicting classifications (1 of 4 stars). 3 submissions from 3 submitters: Likely pathogenic (1); Uncertain significance (1). 1 of the submissions does not count toward it. Last evaluated 2024-12-18.

Conditions:
Myopia 25, autosomal dominant (MYP25). Identifiers: MedGen C4310655, MONDO:0014982, OMIM 617238.

Allele frequency attached by ClinVar (database versions not stated): gnomAD 0.00001; ExAC 0.00003; TOPMed 0.00005; gnomAD exomes 0.00006.
gnomAD v4.1: 19 of 1,613,816 alleles (0.0012%); highest among the groups gnomAD compares: East Asian, 0.027%; no homozygotes.

Submissions (3):

3billion
Classification: Uncertain significance for Myopia 25, autosomal dominant. Last evaluated: 2024-12-18. Review status: criteria provided, single submitter. Criteria: ACMG Guidelines, 2015. Collection method: clinical testing. Allele origin: germline. Affected: yes.
Comment: The variant is observed at an extremely low frequency in the gnomAD v4.1.0 dataset (total allele frequency: 0.001%). Predicted Consequence/Location: Missense variant. Missense changes are a common disease-causing mechanism. In silico tool predictions suggest damaging effect of the variant on gene or gene product [REVEL: 0.82 (>=0.6, sensitivity 0.68 and specificity 0.92)]. The same nucleotide change resulting in the same amino acid change has been previously reported to be associated with P4HA2-related disorder (ClinVar ID: VCV000372165 /PMID: 25741866). However, the evidence of pathogenicity is insufficient at this time. Therefore, this variant is classified as VUS according to the recommendation of ACMG/AMP guideline.

Juno Genomics, Hangzhou Juno Genomics, Inc
Classification: Likely pathogenic for Myopia 25, autosomal dominant. Review status: criteria provided, single submitter. Criteria: ACMG Guidelines, 2015. Collection method: clinical testing. Allele origin: germline.
Comment: Absent from controls (or at extremely low frequency if recessive) in Genome Aggregation Database.;Well-established in vitro or in vivo functional studies supportive of a damaging effect on the gene or gene product.;Co-segregation with disease in multiple affected family members.;Patient's phenotype or family history is highly specific for a disease with a single genetic etiology.

OMIM
Classification: Pathogenic for MYOPIA 25, AUTOSOMAL DOMINANT. Last evaluated: 2016-12-05. Review status: no assertion criteria provided. Collection method: literature only. Allele origin: germline. Not counted in ClinVar's aggregate classification.

Literature cited by the submitters: PubMed 25741866 (cited by 3billion and OMIM).

NM_001017974.2(P4HA2):c.871G>A (p.Glu291Lys)

Gene: P4HA2 (prolyl 4-hydroxylase subunit alpha 2; minus strand). Cytogenetic location: 5q31.1.
Variant type: single nucleotide variant.
Coding change: c.871G>A on transcript NM_001017974.2 (MANE Select); coding-DNA position 871, G replaced by A.
Protein change: p.Glu291Lys; replaces glutamic acid 291 with lysine.
Molecular consequence: missense variant.
Genome position (GRCh38, 1-based): chr5:132,209,170, C>T on the plus strand (G>A on the coding strand, the complement: P4HA2 is on the minus strand). VCF-style: chr5-132209170-C-T. GRCh37 (hg19) VCF-style: chr5-131544863-C-T.
Other names: P4HA2, GLU291LYS; c.871G>A, p.Glu291Lys (NM_001142598.2, NM_001142599.2, NM_001365677.2 and 5 more transcripts); short protein forms E291K.
Identifiers: ClinVar variation 372165 (VCV000372165.4), dbSNP rs758872875, ClinGen allele CA3402612.